The following is an entry in ClinVar:

NM_004064.5(CDKN1B):c.356T>C (p.Ile119Thr)

Gene: CDKN1B (cyclin dependent kinase inhibitor 1B; plus strand). Cytogenetic location: 12p13.1.
Variant type: single nucleotide variant.
Coding change: c.356T>C on transcript NM_004064.5 (MANE Select); coding-DNA position 356, T replaced by C.
Protein change: p.Ile119Thr; replaces isoleucine 119 with threonine.
Molecular consequence: missense variant.
Genome position (GRCh38, 1-based): chr12:12,718,195, T>C. VCF-style: chr12-12718195-T-C. GRCh37 (hg19) VCF-style: chr12-12871129-T-C.
Other names: short protein forms I119T.
Identifiers: ClinVar variation 307664 (VCV000307664.51), dbSNP rs142833529, ClinGen allele CA6457473.
Genomic context (GRCh38, chr12:12,718,195, plus strand): 5'-GCAAGGTGCCGGCGCAGGAGAGCCAGGATGTCAGCGGGAGCCGCCCGGCGGCGCCTTTAA[T>C]TGGGGCTCCGGCTAACTCTGAGGACACGCATTTGGTGGACCCAAAGACTGATCCGTCGGA-3'
Protein context (NP_004055.1, residues 109-129): VSGSRPAAPL[Ile119Thr]GAPANSEDTH

ClinVar aggregate classification (germline): Conflicting classifications of pathogenicity. Review status: criteria provided, conflicting classifications (1 of 4 stars). 16 submissions from 16 submitters: Uncertain significance (5); Benign (1); Likely benign (8). 2 of the submissions do not count toward it. Last evaluated 2026-02-03.

Conditions:
CDKN1B-related disorder. Also called: CDKN1B-related condition.
Multiple endocrine neoplasia type 4. Also called: MULTIPLE ENDOCRINE NEOPLASIA, TYPE IV. Identifiers: Orphanet 276152, MedGen C1970712, MONDO:0012552, OMIM 610755.
Hereditary cancer-predisposing syndrome. Also called: Tumor predisposition; Neoplastic Syndromes, Hereditary; Hereditary neoplastic syndrome; Hereditary Cancer Syndrome. Identifiers: Orphanet 140162, MedGen C0027672, MeSH D009386, MONDO:0015356.

Allele frequency attached by ClinVar (database versions not stated): 1000 Genomes Project 30x 0.00031; ESP Exome Variant Server 0.00031; 1000 Genomes Project 0.00040; gnomAD 0.00057; TOPMed 0.00081.
gnomAD v4.1: 1,138 of 1,613,028 alleles (0.071%); highest among the groups gnomAD compares: Admixed American, 0.11%; 2 homozygotes.

Submissions 1 to 12 of 16:

Labcorp Genetics (formerly Invitae), Labcorp
Classification: Likely benign for Multiple endocrine neoplasia type 4. Last evaluated: 2026-02-03. Review status: criteria provided, single submitter. Criteria: Invitae Variant Classification Sherloc (09022015). Collection method: clinical testing. Allele origin: germline.

CeGaT Center for Human Genetics Tuebingen
Classification: Likely benign. Last evaluated: 2026-02-01. Review status: criteria provided, single submitter. Criteria: CeGaT Center For Human Genetics Tuebingen Variant Classification Criteria Version 2. Collection method: clinical testing. Allele origin: germline. Affected: yes. Observed: 5 variant alleles.
Comment: CDKN1B: BP4, BS1:Supporting

Dasa
Classification: Likely benign. Last evaluated: 2025-12-02. Review status: criteria provided, single submitter. Criteria: DASA Assertion Criteria. Collection method: clinical testing. Allele origin: germline.
Comment: NM_004064.5(CDKN1B):c.356T>C (p.Ile119Thr) is a missense variant that results in the substitution of isoleucine with threonine. Population frequency is inconsistent with a disease-causing role for this variant, observations in unaffected individuals support a benign interpretation, and the variant context is inconsistent with a known disease-causing mechanism. Therefore, based on the currently available evidence, this variant is classified as likely benign.

Molecular Diagnostics Laboratory, Catalan Institute of Oncology
Classification: Uncertain significance for Hereditary cancer-predisposing syndrome. Last evaluated: 2025-08-05. Review status: criteria provided, single submitter. Criteria: ACMG Guidelines, 2015. Collection method: clinical testing. Allele origin: germline.
Comment: c.356T>C, located in exon 1 of the CDKN1B gene, is predicted to result in the substitution of isoleucine with threonine at codon 119, p.(Ile119Thr). This variant is found in 143/265372 alleles at a frequency of 0.054% in the gnomAD v2.1.1 database, non-cancer dataset. The SpliceAI algorithm predicts no significant impact on splicing and the REVEL meta-predictor score (0.32) for this variant is indeterminate regarding the effect that it may have on protein function according Pejaver 2022 thresholds (PMID: 36413997). To our knowledge, no well-established functional studies have been reported for this variant. This variant has been reported in the ClinVar database (1x benign, 8x likely benign, 3x uncertain significance) and in the LOVD database (2x likely benign, 1x uncertain significance). Based on the currently available evidence, c.356T>C is classified as an uncertain significance variant according to ACMG guidelines.

Quest Diagnostics Nichols Institute San Juan Capistrano
Classification: Likely benign. Last evaluated: 2025-08-05. Review status: criteria provided, single submitter. Criteria: Quest Diagnostics criteria. Collection method: clinical testing. Allele origin: unknown.

GeneDx
Classification: Uncertain significance. Last evaluated: 2025-04-11. Review status: criteria provided, single submitter. Criteria: GeneDx Variant Classification Process June 2021. Collection method: clinical testing. Allele origin: germline. Affected: yes.
Comment: Observed in individuals with pituitary adenoma, neuroendocrine tumor, prostate cancer, and/or premature ovarian failure, but was also observed in unaffected controls (PMID: 15026335, 21575944, 22291433, 32232325, 35355569, 34313605); Published functional studies demonstrate expression and cellular localization similar to wild type, but also proteasome degradation resistance, increased protein stability, slightly delayed migration, and reduced RHOA and CDK2 interaction (PMID: 22291433, 32232325); In silico analysis indicates that this missense variant does not alter protein structure/function; This variant is associated with the following publications: (PMID: 28824003, Hernndez-Ramrez_2019, 30990521, 24101221, 15607373, 21575944, 34426522, 15026335, 22291433, 34313605, Zuarth-Vazquez2023[abstract], 35355569, 32232325, 30065701, 36520683, 36149413, 30476936)

Blueprint Genetics
Classification: Likely benign. Last evaluated: 2024-11-27. Review status: criteria provided, single submitter. Criteria: ACMG Guidelines, 2015. Collection method: clinical testing. Allele origin: germline.

Molecular Pathology, Peter Maccallum Cancer Centre
Classification: Likely benign for Multiple endocrine neoplasia type 4. Last evaluated: 2024-11-06. Review status: criteria provided, single submitter. Criteria: ACMG Guidelines, 2015. Collection method: clinical testing. Allele origin: germline. Inheritance: Autosomal dominant inheritance.

ARUP Laboratories, Molecular Genetics and Genomics, ARUP Laboratories
Classification: Uncertain significance for Multiple endocrine neoplasia type 4. Last evaluated: 2024-08-28. Review status: criteria provided, single submitter. Criteria: ARUP Molecular Germline Variant Investigation Process 2024. Collection method: clinical testing. Allele origin: germline.
Comment: The CDKN1B c.356T>C; p.Ile119Thr variant (rs142833529, ClinVar Variation ID: 307664) is reported in the literature in multiple individuals affected with CDKN1B-related conditions, including myeloproliferative disorder, premature ovarian failure, pituitary adenoma, and Cushing's Disease (Chang 2004, Chasseloup 2020, Lavezzi 2022, Martinez de LaPiscina 2021, Ojeda 2011, Pappa 2005, Rasouly 2019, Tichomirowa 2012). This variant is found in the Admixed American population with an allele frequency of 0.11% (39/ 35308 alleles) in the Genome Aggregation Database (v2.1.1), and has been identified in control cohorts and unaffected relatives of affected probands (Tichomirowa 2012 and Chang 2004). Computational analyses are uncertain whether this variant is neutral or deleterious (REVEL: 0.32), though functional studies indicate elevated resistance to proteasomal degradation compared to wild type (Tichomirowa 2012). Due to conflicting information, the clinical significance of this variant is uncertain at this time. References: Chang BL et al. A polymorphism in the CDKN1B gene is associated with increased risk of hereditary prostate cancer. Cancer Res. 2004 Mar 15;64(6):1997-9. PMID: 15026335. Chasseloup F et al. Germline CDKN1B Loss-of-Function Variants Cause Pediatric Cushing's Disease With or Without an MEN4 Phenotype. J Clin Endocrinol Metab. 2020 Jun 1;105(6):1983â€“2005. PMID: 32232325 Lavezzi E et al. Case Report: New CDKN1B Mutation in Multiple Endocrine Neoplasia Type 4 and Brief Literature Review on Clinical Management. Front Endocrinol (Lausanne). 2022 Mar 9;13:773143. PMID: 35355569 Martinez de LaPiscina I et al. Clinical and genetic characteristics in patients under 30 years with sporadic pituitary adenomas. Eur J Endocrinol. 2021 Aug 27;185(4):485-496. PMID: 34313605. Ojeda D et al. Sequence analysis of the CDKN1B gene in patients with premature ovarian failure reveals a novel mutation potentially related to the phenotype. Fertil Steril. 2011 Jun 30;95(8):2658-60.e1. PMID: 21575944. Pappa V et al. A novel p27 gene mutation in a case of unclassified myeloproliferative disorder. Leuk Res. 2005 Feb;29(2):229-31. PMID: 15607373. Rasouly HM et al. The Burden of Candidate Pathogenic Variants for Kidney and Genitourinary Disorders Emerging From Exome Sequencing. Ann Intern Med. 2019 Jan 1;170(1):11-21. PMID: 30476936. Tichomirowa MA et al. Cyclin-dependent kinase inhibitor 1B (CDKN1B) gene variants in AIP mutation-negative familial isolated pituitary adenoma kindreds. Endocr Relat Cancer. 2012 May 3;19(3):233-41. PMID: 22291433.

Ambry Genetics
Classification: Benign for Hereditary cancer-predisposing syndrome. Last evaluated: 2022-03-03. Review status: criteria provided, single submitter. Criteria: Ambry Variant Classification Scheme 2023. Collection method: clinical testing. Allele origin: germline.

Genetic Services Laboratory, University of Chicago
Classification: Uncertain significance. Last evaluated: 2021-10-06. Review status: criteria provided, single submitter. Criteria: ACMG Guidelines, 2015. Collection method: clinical testing. Allele origin: germline. Affected: no.
Comment: DNA sequence analysis of the CDKN1B gene demonstrated a sequence change, c.356T>C, in exon 1 that results in an amino acid change, p.Ile119Thr. This sequence change has been described in an individual with myeloproliferative disorder (PMID: 15607373), an individual with Cushing√¢‚Ç¨‚Ñ¢s disease (PMID: 32232325), an individual with premature ovarian failure (PMID: 21575944), and in an individual with acromegaly (PMID: 22291433). This sequence change is present in the gnomAD database with a frequency of 0.11% in the Latino/Admixed American subpopulation (dbSNP rs142833529). The p.Ile119Thr change affects a moderately conserved amino acid residue located in a domain of the CDKN1B protein that is not known to be functional. The p.Ile119Thr substitution appears to be benign using several in-silico pathogenicity prediction tools (SIFT, PolyPhen2, Align GVGD, REVEL). An in vitro assay demonstrated protein instability and disruption of the scatter domain of CDKN1B for this sequence change (PMID: 32232325). Due to insufficient evidences, the clinical significance of the p.Ile119Thr change remains unknown at this time.

Sema4
Classification: Likely benign for Hereditary cancer-predisposing syndrome. Last evaluated: 2021-07-05. Review status: criteria provided, single submitter. Criteria: Sema4 Curation Guidelines. Collection method: curation. Allele origin: germline.